The following is an entry in ClinVar:

ClinVar aggregate classification (germline): Benign (1 of 4 stars; one submission).

Conditions:
Hereditary angioedema type 1 (HAE1). Identifiers: Orphanet 100050, Orphanet 100051, Orphanet 91378, MedGen C2717906, MONDO:0015053, OMIM 106100.

Allele frequency attached by ClinVar (database versions not stated): 1000 Genomes Project 30x 0.00484; 1000 Genomes Project 0.00499; TOPMed 0.01040; gnomAD 0.01199 and 0.01222.

Submission:

CeMIA
Classification: Benign for Hereditary angioedema type 1. Review status: criteria provided, single submitter. Criteria: ACMG Guidelines, 2015. Collection method: clinical testing. Allele origin: germline. Affected: yes.
Comment: This variant is considered likely benign or benign based on one or more of the following criteria: allele frequency is >5% in Exome Sequencing Project, 1000 Genomes Project, or Exome Aggregation Consortium (BA1), allele frequency is greater than expected for disorder (BS1), it is observed in a healthy adult individual (BS2), it is predicted to be benign by multiple in silico algorithms (BP4), it is found in a case with an alternate molecular basis for the disease (BP5) and/or reputable source recently reports variant as benign (BP6).

Literature cited by the submitters: PubMed 31959500.

NM_000062.3(SERPING1):c.1030-1975G>C

Gene: SERPING1 (serpin family G member 1; plus strand). Cytogenetic location: 11q12.1.
Variant type: single nucleotide variant.
Coding change: c.1030-1975G>C on transcript NM_000062.3 (MANE Select); 1975 bases into the intron before coding-DNA position 1030, G replaced by C.
Molecular consequence: intron variant.
Genome position (GRCh38, 1-based): chr11:57,609,742, G>C. VCF-style: chr11-57609742-G-C. GRCh37 (hg19) VCF-style: chr11-57377215-G-C.
Other names: c.1030-1975G>C (NM_001032295.2).
Identifiers: ClinVar variation 983230 (VCV000983230.2), dbSNP rs151035150, ClinGen allele CA223056431.